The following is an entry in ClinVar:

ClinVar aggregate classification (germline): Uncertain significance (1 of 4 stars; one submission).

Conditions:
Ehlers-Danlos syndrome due to tenascin-X deficiency (EDSCLL1). Also called: EDS DUE TO TNX DEFICIENCY; EHLERS-DANLOS SYNDROME, CLASSIC-LIKE; Ehlers-Danlos syndrome, classic-like, 1; TNXB-Related Classical-Like Ehlers-Danlos Syndrome; TNX DEFICIENCY. Identifiers: Orphanet 230839, MedGen C1848029, MONDO:0011670, OMIM 606408.

Submission:

Victorian Clinical Genetics Services, Murdoch Childrens Research Institute
Classification: Uncertain significance for Ehlers-Danlos syndrome due to tenascin-X deficiency. Review status: criteria provided, single submitter. Criteria: ACMG Guidelines, 2015. Collection method: clinical testing. Allele origin: paternal. Affected: yes.
Comment: - This intragenic copy number variant results in an in-frame deletion of at least exons 24 to 26 (of 44) with no known impact on reading frame. The exact breakpoints have not been determined. Additional information: - Loss of function is a known mechanism of disease in this gene and is associated with classic-like type 1 Ehlers-Danlos syndrome (MIM#606408). - This gene is associated with autosomal recessive disease. - This variant is heterozygous. - Variant is absent from gnomAD (gnomAD SVs v2.1). - This variant is predicted to delete multiple fibronectin type III domains (NCBI). - No comparable in-frame copy number deletions have previous evidence for pathogenicity. - This variant has no previous evidence of pathogenicity. - No published segregation evidence has been identified for this variant. - No published functional evidence has been identified for this variant.

NM_001365276.1:c.(?_8144)_(9109_?)del

Gene: TNXB (tenascin XB; minus strand).
Variant type: Deletion.
Identifiers: ClinVar variation 2500716 (VCV002500716.1).